The following is an entry in ClinVar:

ClinVar aggregate classification (germline): Uncertain significance. Review status: criteria provided, multiple submitters, no conflicts (2 of 4 stars). 2 submissions from 2 submitters: Uncertain significance (2). Last evaluated 2025-12-01.

Conditions:
ATP11A-related disorder. Also called: ATP11A-related condition.

Submissions (2):

CeGaT Center for Human Genetics Tuebingen
Classification: Uncertain significance. Last evaluated: 2025-12-01. Review status: criteria provided, single submitter. Criteria: CeGaT Center For Human Genetics Tuebingen Variant Classification Criteria Version 2. Collection method: clinical testing. Allele origin: germline. Affected: yes. Observed: 1 variant allele.

PreventionGenetics, part of Exact Sciences
Classification: Uncertain significance for ATP11A-related condition. Last evaluated: 2025-10-02. Review status: criteria provided, single submitter. Criteria: ACMG Guidelines, 2015. Collection method: clinical testing. Allele origin: germline.
Comment: The ATP11A c.1546G>A variant is predicted to result in the amino acid substitution p.Glu516Lys. To our knowledge, this variant has not been reported in the literature. This variant is reported in 0.0033% of alleles in individuals of South Asian descent in gnomAD. At this time, the clinical significance of this variant is uncertain due to the absence of conclusive functional and genetic evidence.

NM_015205.3(ATP11A):c.1546G>A (p.Glu516Lys)

Gene: ATP11A (ATPase phospholipid transporting 11A; plus strand). Cytogenetic location: 13q34.
Variant type: single nucleotide variant.
Coding change: c.1546G>A on transcript NM_015205.3 (MANE Select); coding-DNA position 1546, G replaced by A.
Protein change: p.Glu516Lys; replaces glutamic acid 516 with lysine.
Molecular consequence: missense variant.
Genome position (GRCh38, 1-based): chr13:112,833,010, G>A. VCF-style: chr13-112833010-G-A. GRCh37 (hg19) VCF-style: chr13-113487324-G-A.
Other names: c.1546G>A (NM_032189.3); c.1546G>A, p.Glu516Lys (NM_001405661.1, NM_001405662.1, NM_001405663.1 and 1 more transcripts); short protein forms E516K.
Identifiers: ClinVar variation 4681453 (VCV004681453.6).